The following is an entry in ClinVar:

NM_025144.4(ALPK1):c.2855A>G (p.Asn952Ser)

Gene: ALPK1 (alpha kinase 1; plus strand). Cytogenetic location: 4q25.
Variant type: single nucleotide variant.
Coding change: c.2855A>G on transcript NM_025144.4 (MANE Select); coding-DNA position 2855, A replaced by G.
Protein change: p.Asn952Ser; replaces asparagine 952 with serine.
Molecular consequence: missense variant.
Genome position (GRCh38, 1-based): chr4:112,432,402, A>G. VCF-style: chr4-112432402-A-G. GRCh37 (hg19) VCF-style: chr4-113353558-A-G.
Other names: c.2855A>G, p.Asn952Ser (NM_001102406.2); c.2621A>G, p.Asn874Ser (NM_001253884.2); short protein forms N874S, N952S.
Identifiers: ClinVar variation 3608733 (VCV003608733.2).
Genomic context (GRCh38, chr4:112,432,402, plus strand): 5'-TGAAATCACCTGCATTTTCCAGTGGTTCTTCTGAGGGGGACAGCCCTTGGTCCTATCTGA[A>G]TTCCAGTGGGAGTTCTTGGGTTTCATTGCCGGGAAAGATGAGGAAAGAGATCCTTGAGGC-3'
Protein context (NP_079420.3, residues 942-962): SEGDSPWSYL[Asn952Ser]SSGSSWVSLP

ClinVar aggregate classification (germline): Uncertain significance (1 of 4 stars; one submission).

gnomAD v4.1: 4 of 1,614,148 alleles (0.00025%); no homozygotes.

Submission:

Labcorp Genetics (formerly Invitae), Labcorp
Classification: Uncertain significance. Last evaluated: 2024-04-25. Review status: criteria provided, single submitter. Criteria: Invitae Variant Classification Sherloc (09022015). Collection method: clinical testing. Allele origin: germline.
Comment: This sequence change replaces asparagine, which is neutral and polar, with serine, which is neutral and polar, at codon 952 of the ALPK1 protein (p.Asn952Ser). This variant is present in population databases (no rsID available, gnomAD 0.01%). This variant has not been reported in the literature in individuals affected with ALPK1-related conditions. Advanced modeling of protein sequence and biophysical properties (such as structural, functional, and spatial information, amino acid conservation, physicochemical variation, residue mobility, and thermodynamic stability) performed at Invitae indicates that this missense variant is not expected to disrupt ALPK1 protein function with a negative predictive value of 80%. In summary, the available evidence is currently insufficient to determine the role of this variant in disease. Therefore, it has been classified as a Variant of Uncertain Significance.